The following is an entry in ClinVar:

NM_019098.5(CNGB3):c.2221del (p.Asp741fs)

Gene: CNGB3 (cyclic nucleotide gated channel subunit beta 3; minus strand). Cytogenetic location: 8q21.3.
Variant type: Deletion.
Coding change: c.2221del on transcript NM_019098.5 (MANE Select); coding-DNA position 2221, one base deleted (G; older notation c.2221delG).
Protein change: p.Asp741fs; shifts the reading frame from aspartic acid 741.
Molecular consequence: frameshift variant.
Genome position (GRCh38, 1-based): chr8:86,576,013, C deleted on the plus strand (G on the coding strand, the reverse complement: CNGB3 is on the minus strand). VCF-style (leftmost placement, unchanged base first): chr8-86576012-TC-T. GRCh37 (hg19) VCF-style: chr8-87588240-TC-T.
Other names: c.2221delG (NM_019098.4); short protein forms D741fs.
Identifiers: ClinVar variation 427667 (VCV000427667.7), dbSNP rs1554604552, ClinGen allele CA645372854.
Genomic context (GRCh38, chr8:86,576,012, plus strand): 5'-ATAGGACTTGCTGTACATTCAGGTCTGTCCAGTGGCTTCTCTTCTGGCTCTCTTCCTTTA[TC>T]TTTATCTTCATTTTCTTTTCCTTTATCTTCATTTTCTTTTTGTTTATCTTCATTTTCTTT-3'

ClinVar aggregate classification (germline): Conflicting classifications of pathogenicity. Review status: criteria provided, conflicting classifications (1 of 4 stars). 4 submissions from 4 submitters: Pathogenic (1); Likely pathogenic (1); Uncertain significance (1). 1 of the submissions does not count toward it. Last evaluated 2024-01-03.

Conditions:
Retinal dystrophy. Also called: Inherited retinal dystrophy. Identifiers: Orphanet 71862, MedGen C0854723, MeSH D058499, MONDO:0019118, HP:0000556.
Achromatopsia 3 (ACHM3). Also called: ACHROMATOPSIA WITH MYOPIA; ROD MONOCHROMACY 1; ROD MONOCHROMATISM 1; PINGELAPESE BLINDNESS; TOTAL COLORBLINDNESS WITH MYOPIA. Identifiers: Orphanet 49382, MedGen C1849792, MONDO:0009875, OMIM 262300.

Submissions (4):

Fulgent Genetics
Classification: Likely pathogenic for Achromatopsia 3. Last evaluated: 2024-01-03. Review status: criteria provided, single submitter. Criteria: ACMG Guidelines, 2015. Collection method: clinical testing. Allele origin: germline.

Labcorp Genetics (formerly Invitae), Labcorp
Classification: Uncertain significance. Last evaluated: 2021-12-10. Review status: criteria provided, single submitter. Criteria: Invitae Variant Classification Sherloc (09022015). Collection method: clinical testing. Allele origin: germline.
Comment: This sequence change results in a frameshift in the CNGB3 gene (p.Asp741Ilefs*88). While this is not anticipated to result in nonsense mediated decay, it is expected to disrupt the last 69 amino acid(s) of the CNGB3 protein and extend the protein by 18 additional amino acid residues. This variant is not present in population databases (gnomAD no frequency). This frameshift has been observed in individual(s) with achromatopsia (PMID: 28795510). ClinVar contains an entry for this variant (Variation ID: 427667). This variant results in an extension of the CNGB3 protein. Other variant(s) that result in a similarly extended protein product (p.Ser787Alafs*42) have been observed in individuals with CNGB3-related disease (PMID: 28795510). This suggests that these extensions may be clinically significant. In summary, the available evidence is currently insufficient to determine the role of this variant in disease. Therefore, it has been classified as a Variant of Uncertain Significance.

Institute of Human Genetics, Univ. Regensburg, Univ. Regensburg
Classification: Pathogenic for Retinal dystrophy. Last evaluated: 2021-01-01. Review status: criteria provided, single submitter. Criteria: ACMG Guidelines, 2015. Collection method: clinical testing. Allele origin: germline. Affected: yes.

Molecular Genetics Laboratory, Institute for Ophthalmic Research
Classification: Pathogenic for ACHM3. Last evaluated: 2017-03-27. Review status: no assertion criteria provided. Collection method: research. Allele origin: unknown. Affected: yes. Not counted in ClinVar's aggregate classification.

Literature cited by the submitters: PubMed 28795510 (cited by 3 submitters); PubMed 32531858 (cited by Institute of Human Genetics, Univ. Regensburg, Univ. Regensburg); PubMed 34426522 (cited by Institute of Human Genetics, Univ. Regensburg, Univ. Regensburg).